The following is an entry in ClinVar:

ClinVar aggregate classification (germline): Conflicting classifications of pathogenicity. Review status: criteria provided, conflicting classifications (1 of 4 stars). 9 submissions from 5 submitters: Uncertain significance (7); Benign (2). Last evaluated 2025-07-28.

Conditions:
Early-onset myopathy with fatal cardiomyopathy (CMYO5). Also called: CONGENITAL MYOPATHY 5 WITH CARDIOMYOPATHY; Salih Myopathy. Identifiers: Orphanet 289377, MedGen C2673677, MONDO:0012714, OMIM 611705. Disease mechanism: loss of function.
Tibial muscular dystrophy (TMD). Also called: UDD MYOPATHY; Tibial muscular dystrophy, tardive; Udd Distal Myopathy – Tibial Muscular Dystrophy. Identifiers: Orphanet 609, MedGen C1838244, MONDO:0010870, OMIM 600334.
Dilated cardiomyopathy 1G (CMD1G). Identifiers: Orphanet 154, MedGen C1858763, MONDO:0011400, OMIM 604145.
Myopathy, myofibrillar, 9, with early respiratory failure (MFM9). Also called: Hereditary myopathy with early respiratory failure; EDSTROM MYOPATHY; MYOPATHY, PROXIMAL, WITH EARLY RESPIRATORY MUSCLE INVOLVEMENT; Myopathy, distal, with early respiratory failure, autosomal dominant. Identifiers: Orphanet 178464, Orphanet 34521, MedGen C1863599, MONDO:0011362, OMIM 603689.
Autosomal recessive limb-girdle muscular dystrophy type 2J (LGMDR10). Also called: MUSCULAR DYSTROPHY, LIMB-GIRDLE, AUTOSOMAL RECESSIVE 10; Limb-girdle muscular dystrophy, type 2J. Identifiers: Orphanet 140922, MedGen C1837342, MONDO:0012127, OMIM 608807.

Allele frequency attached by ClinVar (database versions not stated): gnomAD exomes 0.00001 and 0.00003; gnomAD 0.00002; TOPMed 0.00004; ESP Exome Variant Server 0.00017.
gnomAD v4.1: 21 of 1,608,672 alleles (0.0013%); highest among the groups gnomAD compares: Middle Eastern, 0.016%; no homozygotes.

Submissions (9):

Revvity Omics, Revvity
Classification: Uncertain significance. Last evaluated: 2025-07-28. Review status: criteria provided, single submitter. Criteria: ACMG Guidelines, 2015. Collection method: clinical testing. Allele origin: germline.

Blueprint Genetics
Classification: Uncertain significance. Last evaluated: 2024-01-16. Review status: criteria provided, single submitter. Criteria: ACMG Guidelines, 2015. Collection method: clinical testing. Allele origin: germline.

Women's Health and Genetics/Laboratory Corporation of America, LabCorp
Classification: Uncertain significance. Last evaluated: 2023-12-13. Review status: criteria provided, single submitter. Criteria: LabCorp Variant Classification Summary - May 2015. Collection method: clinical testing. Allele origin: germline.
Comment: Variant summary: TTN c.35987C>G (p.Ser11996Cys) results in a non-conservative amino acid change in the encoded protein sequence. Three of four in-silico tools predict a damaging effect of the variant on protein function. The variant allele was found at a frequency of 2.9e-05 in 240092 control chromosomes. The available data on variant occurrences in the general population are insufficient to allow any conclusion about variant significance. To our knowledge, no occurrence of c.35987C>G in individuals affected with Limb-Girdle Muscular Dystrophy, Type 2J and no experimental evidence demonstrating its impact on protein function have been reported. Three submitters have cited clinical-significance assessments for this variant to ClinVar after 2014 two submitters classified the variant as VUS while one classified as benign. Based on the evidence outlined above, the variant was classified as uncertain significance.

Illumina Laboratory Services, Illumina
Classification: Uncertain significance for Dilated cardiomyopathy 1G. Last evaluated: 2018-04-06. Review status: criteria provided, single submitter. Criteria: ICSL Variant Classification Criteria 13 December 2019. Collection method: clinical testing. Allele origin: germline.

Illumina Laboratory Services, Illumina
Classification: Benign for Tibial muscular dystrophy. Last evaluated: 2018-04-06. Review status: criteria provided, single submitter. Criteria: ICSL Variant Classification Criteria 13 December 2019. Collection method: clinical testing. Allele origin: germline.
Comment: This variant was observed in the ICSL laboratory as part of a predisposition screen in an ostensibly healthy population. It had not been previously curated by ICSL or reported in the Human Gene Mutation Database (HGMD: prior to June 1st, 2018), and was therefore a candidate for classification through an automated scoring system. Utilizing variant allele frequency, disease prevalence and penetrance estimates, and inheritance mode, an automated score was calculated to assess if this variant is too frequent to cause the disease. Based on the score and internal cut-off values, a variant classified as benign is not then subjected to further curation. The score for this variant resulted in a classification of benign for this disease.

Illumina Laboratory Services, Illumina
Classification: Benign for Myopathy, myofibrillar, 9, with early respiratory failure. Last evaluated: 2018-04-06. Review status: criteria provided, single submitter. Criteria: ICSL Variant Classification Criteria 13 December 2019. Collection method: clinical testing. Allele origin: germline.
Comment: the same text as in the submission from Illumina Laboratory Services, Illumina above.

Illumina Laboratory Services, Illumina
Classification: Uncertain significance for Early-onset myopathy with fatal cardiomyopathy. Last evaluated: 2018-04-06. Review status: criteria provided, single submitter. Criteria: ICSL Variant Classification Criteria 13 December 2019. Collection method: clinical testing. Allele origin: germline.

Illumina Laboratory Services, Illumina
Classification: Uncertain significance for Autosomal recessive limb-girdle muscular dystrophy type 2J. Last evaluated: 2018-04-06. Review status: criteria provided, single submitter. Criteria: ICSL Variant Classification Criteria 13 December 2019. Collection method: clinical testing. Allele origin: germline.

Labcorp Genetics (formerly Invitae), Labcorp
Classification: Uncertain significance for Dilated cardiomyopathy 1G; Autosomal recessive limb-girdle muscular dystrophy type 2J. Last evaluated: 2017-07-25. Review status: criteria provided, single submitter. Criteria: Invitae Variant Classification Sherloc (09022015). Collection method: clinical testing. Allele origin: germline.

NM_001267550.2(TTN):c.43691C>G (p.Ser14564Cys)

Gene: TTN (titin; minus strand). Cytogenetic location: 2q31.2.
Variant type: single nucleotide variant.
Coding change: c.43691C>G on transcript NM_001267550.2 (MANE Select); coding-DNA position 43691, C replaced by G.
Protein change: p.Ser14564Cys; replaces serine 14564 with cysteine.
Molecular consequence: missense variant.
Genome position (GRCh38, 1-based): chr2:178,632,203, G>C on the plus strand (C>G on the coding strand, the complement: TTN is on the minus strand). VCF-style: chr2-178632203-G-C. GRCh37 (hg19) VCF-style: chr2-179496930-G-C.
Other names: c.38768C>G, p.Ser12923Cys (NM_001256850.1); c.16496C>G, p.Ser5499Cys (NM_003319.4); c.35987C>G, p.Ser11996Cys (NM_133378.4); c.16871C>G, p.Ser5624Cys (NM_133432.3); c.17072C>G, p.Ser5691Cys (NM_133437.4); short protein forms S14564C, S11996C, S12923C, S5499C, S5624C, S5691C.
Identifiers: ClinVar variation 467156 (VCV000467156.10), dbSNP rs377015571, ClinGen allele CA1995817.